The following is an entry in ClinVar:

ClinVar aggregate classification (germline): Conflicting classifications of pathogenicity. Review status: criteria provided, conflicting classifications (1 of 4 stars). 4 submissions from 4 submitters: Uncertain significance (3); Likely benign (1). Last evaluated 2026-07-24.

Conditions:
Frontotemporal dementia and/or amyotrophic lateral sclerosis 1 (FTDALS1). Also called: C9orf72 Frontotemporal Dementia and/or Amyotrophic Lateral Sclerosis; Frontotemporal dementia with motor neuron disease 1. Identifiers: Orphanet 275872, MedGen C5779877, MONDO:0007105, OMIM 105550.
Paget disease of bone 2, early-onset (PDB2). Also called: Paget disease of bone 2. Identifiers: MedGen C4085251, MONDO:0011183, OMIM 602080.
SQSTM1-related disorder. Also called: SQSTM1-Related Disorders.

Allele frequency attached by ClinVar (database versions not stated): ExAC 0.00002; gnomAD exomes 0.00003; gnomAD 0.00005 and 0.00006; TOPMed 0.00005.

Submissions (4):

GeneDx
Classification: Uncertain significance. Last evaluated: 2026-07-24. Review status: criteria provided, single submitter. Criteria: GeneDx Variant Classification Process June 2021. Collection method: clinical testing. Allele origin: germline.
Comment: In a study of individuals from a large FTLD cohort, N125S was only identified in control alleles (PMID: 24899140); Reported previously in an individual with dementia; however, the variant was also observed in controls (PMID: 25796131); Reported in a patient with isolated hypogonadotropic hypogonadism in the published literature who also had a variants in another gene that may have been responsible for the phenotype (PMID: 36268624); In silico analysis supports that this missense variant has a deleterious effect on protein structure/function; This variant is associated with the following publications: (PMID: 24899140, 25796131, 36268624)

Labcorp Genetics (formerly Invitae), Labcorp
Classification: Uncertain significance for Paget disease of bone 2, early-onset; Frontotemporal dementia and/or amyotrophic lateral sclerosis 1. Last evaluated: 2026-02-02. Review status: criteria provided, single submitter. Criteria: Invitae Variant Classification Sherloc (09022015). Collection method: clinical testing. Allele origin: germline.
Comment: This sequence change replaces asparagine, which is neutral and polar, with serine, which is neutral and polar, at codon 125 of the SQSTM1 protein (p.Asn125Ser). This variant is present in population databases (rs769325755, gnomAD 0.02%). This variant has not been reported in the literature in individuals affected with SQSTM1-related conditions. ClinVar contains an entry for this variant (Variation ID: 839604). Invitae Evidence Modeling of protein sequence and biophysical properties (such as structural, functional, and spatial information, amino acid conservation, physicochemical variation, residue mobility, and thermodynamic stability) indicates that this missense variant is not expected to disrupt SQSTM1 protein function with a negative predictive value of 80%. In summary, the available evidence is currently insufficient to determine the role of this variant in disease. Therefore, it has been classified as a Variant of Uncertain Significance.

PreventionGenetics, part of Exact Sciences
Classification: Uncertain significance for SQSTM1-related condition. Last evaluated: 2025-10-23. Review status: criteria provided, single submitter. Criteria: ACMG Guidelines, 2015. Collection method: clinical testing. Allele origin: germline.
Comment: The SQSTM1 c.374A>G variant is predicted to result in the amino acid substitution p.Asn125Ser. This variant was reported in the control group of a frontotemporal lobar degeneration cohort study (van der Zee et al. 2014. PubMed ID: 24899140), however it was also reported in a cohort of individuals with a personal or family history of Alzheimer disease (Cuyvers et al. 2015. PubMed ID: 25796131). This variant is reported in 0.022% of alleles in individuals of East Asian descent in gnomAD. At this time, the clinical significance of this variant is uncertain due to the absence of conclusive functional and genetic evidence.

Laboratory of Genetics, Children's Clinical University Hospital Latvia
Classification: Likely benign. Last evaluated: 2025-02-16. Review status: criteria provided, single submitter. Criteria: ACMG Guidelines, 2015. Collection method: clinical testing. Allele origin: germline. Affected: yes.

NM_003900.5(SQSTM1):c.374A>G (p.Asn125Ser)

Gene: SQSTM1 (sequestosome 1; plus strand). Cytogenetic location: 5q35.3.
Variant type: single nucleotide variant.
Coding change: c.374A>G on transcript NM_003900.5 (MANE Select); coding-DNA position 374, A replaced by G.
Protein change: p.Asn125Ser; replaces asparagine 125 with serine.
Molecular consequence: missense variant.
Genome position (GRCh38, 1-based): chr5:179,823,930, A>G. VCF-style: chr5-179823930-A-G. GRCh37 (hg19) VCF-style: chr5-179250930-A-G.
Other names: c.122A>G, p.Asn41Ser (NM_001142298.2, NM_001142299.2); short protein forms N125S, N41S.
Identifiers: ClinVar variation 839604 (VCV000839604.14), dbSNP rs769325755, ClinGen allele CA3600491.